The following is an entry in ClinVar:

NM_002180.3(IGHMBP2):c.913-5T>C

Gene: IGHMBP2 (immunoglobulin mu DNA binding protein 2; plus strand). Cytogenetic location: 11q13.3.
Variant type: single nucleotide variant.
Coding change: c.913-5T>C on transcript NM_002180.3 (MANE Select); 5 bases into the intron before coding-DNA position 913, T replaced by C.
Molecular consequence: intron variant.
Genome position (GRCh38, 1-based): chr11:68,917,731, T>C. VCF-style: chr11-68917731-T-C. GRCh37 (hg19) VCF-style: chr11-68685199-T-C.
Identifiers: ClinVar variation 1765924 (VCV001765924.2), dbSNP rs1210060084, ClinGen allele CA679627039.

ClinVar aggregate classification (germline): Uncertain significance (1 of 4 stars; one submission).

Conditions:
Inborn genetic diseases. Identifiers: MedGen C0950123, MeSH D030342.

Allele frequency attached by ClinVar (database versions not stated): gnomAD exomes below 0.00001; TOPMed below 0.00001; gnomAD 0.00001.
gnomAD v4.1: 2 of 1,608,382 alleles (0.00012%); highest among the groups gnomAD compares: South Asian, 0.0011%; no homozygotes.

Submission:

Ambry Genetics
Classification: Uncertain significance for Inborn genetic diseases. Last evaluated: 2021-06-08. Review status: criteria provided, single submitter. Criteria: Ambry Variant Classification Scheme 2023. Collection method: clinical testing. Allele origin: germline.
Comment: The c.913-5T>C intronic variant results from a T to C substitution 5 nucleotides upstream from coding exon 7 in the IGHMBP2 gene. This nucleotide position is not well conserved in available vertebrate species. In silico splice site analysis predicts that this alteration will not have any significant effect on splicing. Since supporting evidence is limited at this time, the clinical significance of this alteration remains unclear.